The following is an entry in ClinVar:

ClinVar aggregate classification (germline): Conflicting classifications of pathogenicity. Review status: criteria provided, conflicting classifications (1 of 4 stars). 2 submissions from 2 submitters: Likely pathogenic (1); Uncertain significance (1). Last evaluated 2025-05-08.

Conditions:
Hereditary cancer-predisposing syndrome. Also called: Hereditary Cancer Syndrome; Neoplastic Syndromes, Hereditary; Hereditary neoplastic syndrome; Tumor predisposition. Identifiers: Orphanet 140162, MedGen C0027672, MeSH D009386, MONDO:0015356.
Cardiovascular phenotype. Identifiers: MedGen CN230736.
Neurofibromatosis, type 1 (NF1). Also called: Peripheral type neurofibromatosis; Neurofibromatosis, type I; NEUROFIBROMATOSIS, TYPE I, SOMATIC; VON RECKLINGHAUSEN DISEASE. Identifiers: Orphanet 636, MedGen C0027831, MONDO:0018975, OMIM 162200. Disease mechanism: loss of function.

Allele frequency attached by ClinVar (database versions not stated): TOPMed below 0.00001.

Submissions (2):

Ambry Genetics
Classification: Uncertain significance for Cardiovascular phenotype; Hereditary cancer-predisposing syndrome. Last evaluated: 2025-05-08. Review status: criteria provided, single submitter. Criteria: Ambry Variant Classification Scheme 2023. Collection method: clinical testing. Allele origin: germline.
Comment: The c.888+744A>G intronic variant results from an A to G substitution 744 nucleotides after coding exon 8 in the NF1 gene. RT-PCR analysis from blood leukocytes followed by cDNA sequencing showed the insertion of a cryptic exon, causing a frameshift and premature stop codon (Sabbagh A et al. Hum. Mutat. 2013 Nov;34(11):1510-8). This nucleotide position is well conserved in available vertebrate species. In silico splice site analysis predicts that this alteration will not have any significant effect on splicing. RNA studies have demonstrated that this alteration does not result in abnormal splicing in the set of samples tested (Ambry internal data). Based on the available evidence, the clinical significance of this variant remains unclear.

Department of Pathology and Laboratory Medicine, Sinai Health System
Classification: Likely pathogenic for neurofibromatosis type 1. Review status: criteria provided, single submitter. Criteria: ACMG Guidelines, 2015. Collection method: clinical testing. Allele origin: germline.

NM_001042492.3(NF1):c.888+744A>G

Gene: NF1 (neurofibromin 1; plus strand). Cytogenetic location: 17q11.2.
Variant type: single nucleotide variant.
Coding change: c.888+744A>G on transcript NM_001042492.3 (MANE Select); 744 bases into the intron after coding-DNA position 888, A replaced by G.
Molecular consequence: intron variant.
Genome position (GRCh38, 1-based): chr17:31,183,409, A>G. VCF-style: chr17-31183409-A-G. GRCh37 (hg19) VCF-style: chr17-29510427-A-G.
Other names: c.888+744A>G (NM_000267.4, NM_001128147.3).
Identifiers: ClinVar variation 822795 (VCV000822795.6), dbSNP rs1597660915, ClinGen allele CA915949779.